The following is an entry in ClinVar:

ClinVar aggregate classification (germline): Uncertain significance. Review status: criteria provided, multiple submitters, no conflicts (2 of 4 stars). 2 submissions from 2 submitters: Uncertain significance (2). Last evaluated 2025-12-20.

Conditions:
RASopathy. Also called: Noonan spectrum disorder; rasopathies. Identifiers: Orphanet 536391, MedGen C5555857, MONDO:0021060.

Allele frequency attached by ClinVar (database versions not stated): gnomAD exomes 0.00001; ExAC 0.00002; TOPMed 0.00002; gnomAD 0.00003; ESP Exome Variant Server 0.00008.
gnomAD v4.1: 12 of 1,614,072 alleles (0.00074%); highest among the groups gnomAD compares: Middle Eastern, 0.016%; no homozygotes.

Submissions (2):

Labcorp Genetics (formerly Invitae), Labcorp
Classification: Uncertain significance for RASopathy. Last evaluated: 2025-12-20. Review status: criteria provided, single submitter. Criteria: Invitae Variant Classification Sherloc (09022015). Collection method: clinical testing. Allele origin: germline.
Comment: This sequence change replaces glutamic acid, which is acidic and polar, with lysine, which is basic and polar, at codon 765 of the CBL protein (p.Glu765Lys). This variant is present in population databases (rs373587039, gnomAD 0.006%). This variant has not been reported in the literature in individuals affected with CBL-related conditions. ClinVar contains an entry for this variant (Variation ID: 1984087). Invitae Evidence Modeling of protein sequence and biophysical properties (such as structural, functional, and spatial information, amino acid conservation, physicochemical variation, residue mobility, and thermodynamic stability) indicates that this missense variant is not expected to disrupt CBL protein function with a negative predictive value of 95%. In summary, the available evidence is currently insufficient to determine the role of this variant in disease. Therefore, it has been classified as a Variant of Uncertain Significance.

Women's Health and Genetics/Laboratory Corporation of America, LabCorp
Classification: Uncertain significance. Last evaluated: 2025-03-07. Review status: criteria provided, single submitter. Criteria: LabCorp Variant Classification Summary - May 2015. Collection method: clinical testing. Allele origin: germline.
Comment: Variant summary: CBL c.2293G>A (p.Glu765Lys) results in a conservative amino acid change in the encoded protein sequence. Four of five in-silico tools predict a benign effect of the variant on protein function. The variant allele was found at a frequency of 8e-06 in 251428 control chromosomes. The available data on variant occurrences in the general population are insufficient to allow any conclusion about variant significance. To our knowledge, no occurrence of c.2293G>A in individuals affected with Noonan Syndrome-Like Disorder and no experimental evidence demonstrating its impact on protein function have been reported. ClinVar contains an entry for this variant (Variation ID: 1984087). Based on the evidence outlined above, the variant was classified as uncertain significance.

NM_005188.4(CBL):c.2293G>A (p.Glu765Lys)

Gene: CBL (Cbl proto-oncogene; plus strand). Cytogenetic location: 11q23.3.
Variant type: single nucleotide variant.
Coding change: c.2293G>A on transcript NM_005188.4 (MANE Select); coding-DNA position 2293, G replaced by A.
Protein change: p.Glu765Lys; replaces glutamic acid 765 with lysine.
Molecular consequence: missense variant.
Genome position (GRCh38, 1-based): chr11:119,298,399, G>A. VCF-style: chr11-119298399-G-A. GRCh37 (hg19) VCF-style: chr11-119169109-G-A.
Other names: short protein forms E765K.
Identifiers: ClinVar variation 1984087 (VCV001984087.5), dbSNP rs373587039, ClinGen allele CA6318745.